The following is an entry in ClinVar:

NM_005876.5(SPEG):c.3962C>T (p.Thr1321Ile)

Gene: SPEG (striated muscle enriched protein kinase; plus strand). Cytogenetic location: 2q35.
Variant type: single nucleotide variant.
Coding change: c.3962C>T on transcript NM_005876.5 (MANE Select); coding-DNA position 3962, C replaced by T.
Protein change: p.Thr1321Ile; replaces threonine 1321 with isoleucine.
Molecular consequence: missense variant.
Genome position (GRCh38, 1-based): chr2:219,472,911, C>T. VCF-style: chr2-219472911-C-T. GRCh37 (hg19) VCF-style: chr2-220337633-C-T.
Other names: short protein forms T1321I.
Identifiers: ClinVar variation 1379753 (VCV001379753.5), dbSNP rs1410379279, ClinGen allele CA350752439.

ClinVar aggregate classification (germline): Uncertain significance (1 of 4 stars; one submission).

Allele frequency attached by ClinVar (database versions not stated): gnomAD 0.00001.
gnomAD v4.1: 2 of 1,604,970 alleles (0.00012%); highest among the groups gnomAD compares: Admixed American, 0.0034%; no homozygotes.

Submission:

Labcorp Genetics (formerly Invitae), Labcorp
Classification: Uncertain significance. Last evaluated: 2022-03-18. Review status: criteria provided, single submitter. Criteria: Invitae Variant Classification Sherloc (09022015). Collection method: clinical testing. Allele origin: germline.
Comment: This sequence change replaces threonine, which is neutral and polar, with isoleucine, which is neutral and non-polar, at codon 1321 of the SPEG protein (p.Thr1321Ile). This variant is not present in population databases (gnomAD no frequency). This variant has not been reported in the literature in individuals affected with SPEG-related conditions. Algorithms developed to predict the effect of missense changes on protein structure and function (SIFT, PolyPhen-2, Align-GVGD) all suggest that this variant is likely to be tolerated. In summary, the available evidence is currently insufficient to determine the role of this variant in disease. Therefore, it has been classified as a Variant of Uncertain Significance.